The following is an entry in ClinVar:

ClinVar aggregate classification (germline): Uncertain significance. Review status: criteria provided, multiple submitters, no conflicts (2 of 4 stars). 2 submissions from 2 submitters: Uncertain significance (2). Last evaluated 2024-01-14.

Conditions:
Hereditary cancer-predisposing syndrome. Also called: Tumor predisposition; Neoplastic Syndromes, Hereditary; Hereditary Cancer Syndrome; Hereditary neoplastic syndrome. Identifiers: Orphanet 140162, MedGen C0027672, MeSH D009386, MONDO:0015356.
Neuroblastoma, susceptibility to, 3. Also called: ALK-Related Neuroblastic Tumor Susceptibility. Identifiers: Orphanet 635, MedGen C2751681, MONDO:0013083, OMIM 613014.

Allele frequency attached by ClinVar (database versions not stated): gnomAD exomes below 0.00001.
gnomAD v4.1: 2 of 1,582,844 alleles (0.00013%); highest among the groups gnomAD compares: South Asian, 0.0011%; no homozygotes.

Submissions (2):

Ambry Genetics
Classification: Uncertain significance for Hereditary cancer-predisposing syndrome. Last evaluated: 2024-01-14. Review status: criteria provided, single submitter. Criteria: Ambry Variant Classification Scheme 2023. Collection method: clinical testing. Allele origin: germline.
Comment: The p.R28C variant (also known as c.82C>T), located in coding exon 1 of the ALK gene, results from a C to T substitution at nucleotide position 82. The arginine at codon 28 is replaced by cysteine, an amino acid with highly dissimilar properties. This amino acid position is conserved. In addition, this alteration is predicted to be tolerated by in silico analysis. Since supporting evidence is limited at this time, the clinical significance of this alteration remains unclear.

Labcorp Genetics (formerly Invitae), Labcorp
Classification: Uncertain significance for Neuroblastoma, susceptibility to, 3. Last evaluated: 2022-02-18. Review status: criteria provided, single submitter. Criteria: Invitae Variant Classification Sherloc (09022015). Collection method: clinical testing. Allele origin: germline.
Comment: This variant has not been reported in the literature in individuals affected with ALK-related conditions. In summary, the available evidence is currently insufficient to determine the role of this variant in disease. Therefore, it has been classified as a Variant of Uncertain Significance. Algorithms developed to predict the effect of sequence changes on RNA splicing suggest that this variant may create or strengthen a splice site. Algorithms developed to predict the effect of missense changes on protein structure and function are either unavailable or do not agree on the potential impact of this missense change (SIFT: "Deleterious"; PolyPhen-2: "Benign"; Align-GVGD: "Class C0"). ClinVar contains an entry for this variant (Variation ID: 404384). This variant is not present in population databases (gnomAD no frequency). This sequence change replaces arginine, which is basic and polar, with cysteine, which is neutral and slightly polar, at codon 28 of the ALK protein (p.Arg28Cys).

NM_004304.5(ALK):c.82C>T (p.Arg28Cys)

Gene: ALK (ALK receptor tyrosine kinase; minus strand). Cytogenetic location: 2p23.1.
Variant type: single nucleotide variant.
Coding change: c.82C>T on transcript NM_004304.5 (MANE Select); coding-DNA position 82, C replaced by T.
Protein change: p.Arg28Cys; replaces arginine 28 with cysteine.
Molecular consequence: missense variant.
Genome position (GRCh38, 1-based): chr2:29,920,578, G>A on the plus strand (C>T on the coding strand, the complement: ALK is on the minus strand). VCF-style: chr2-29920578-G-A. GRCh37 (hg19) VCF-style: chr2-30143444-G-A.
Other names: short protein forms R28C.
Identifiers: ClinVar variation 404384 (VCV000404384.14), dbSNP rs1060500231, ClinGen allele CA16610745.